The following is an entry in ClinVar:

ClinVar aggregate classification (germline): Uncertain significance (1 of 4 stars; one submission).

Conditions:
Very long chain acyl-CoA dehydrogenase deficiency (ACADVLD). Also called: Very Long-Chain Acyl-Coenzyme A Dehydrogenase Deficiency; VLCAD Deficiency. Identifiers: Orphanet 26793, MedGen C3887523, MONDO:0008723, OMIM 201475.

Allele frequency attached by ClinVar (database versions not stated): gnomAD exomes below 0.00001.
gnomAD v4.1: 1 of 1,614,076 alleles (0.000062%); highest among the groups gnomAD compares: Non-Finnish European, 0.000085%; no homozygotes.

Submission:

Wong Mito Lab, Molecular and Human Genetics, Baylor College of Medicine
Classification: Uncertain significance for Very long chain acyl-CoA dehydrogenase deficiency. Last evaluated: 2019-11-01. Review status: criteria provided, single submitter. Criteria: ACMG Guidelines, 2015. Collection method: clinical testing. Allele origin: germline.
Comment: The NM_000018.3:c.436G>A (NP_000009.1:p.Val146Met) [GRCH38: NC_000017.11:g.7221017G>A] variant in ACADVL gene is interpretated to be Uncertain Significance based on ACMG guidelines (PMID: 25741868). This variant has been reported. This variant meets the following evidence codes reported in the ACMG guidelines: PM1

NM_000018.4(ACADVL):c.436G>A (p.Val146Met)

Gene: ACADVL (acyl-CoA dehydrogenase very long chain; plus strand). Cytogenetic location: 17p13.1.
Variant type: single nucleotide variant.
Coding change: c.436G>A on transcript NM_000018.4 (MANE Select); coding-DNA position 436, G replaced by A.
Protein change: p.Val146Met; replaces valine 146 with methionine.
Molecular consequence: missense variant.
Genome position (GRCh38, 1-based): chr17:7,221,017, G>A. VCF-style: chr17-7221017-G-A. GRCh37 (hg19) VCF-style: chr17-7124336-G-A.
Other names: c.370G>A, p.Val124Met (NM_001033859.3); c.505G>A, p.Val169Met (NM_001270447.2); c.208G>A, p.Val70Met (NM_001270448.2); short protein forms V146M, V169M, V70M, V124M.
Identifiers: ClinVar variation 932856 (VCV000932856.2), dbSNP rs398123089, ClinGen allele CA397722898.